The following is an entry in ClinVar:

NM_000383.4(AIRE):c.332A>C (p.Lys111Thr)

Gene: AIRE (autoimmune regulator; plus strand). Cytogenetic location: 21q22.3.
Variant type: single nucleotide variant.
Coding change: c.332A>C on transcript NM_000383.4 (MANE Select); coding-DNA position 332, A replaced by C.
Protein change: p.Lys111Thr; replaces lysine 111 with threonine.
Molecular consequence: missense variant.
Genome position (GRCh38, 1-based): chr21:44,287,002, A>C. VCF-style: chr21-44287002-A-C. GRCh37 (hg19) VCF-style: chr21-45706885-A-C.
Other names: short protein forms K111T.
Identifiers: ClinVar variation 2836542 (VCV002836542.3), dbSNP rs2517876860, ClinGen allele CA410423624.
Genomic context (GRCh38, chr21:44,287,002, plus strand): 5'-TGAGGTTGGGACCCTGCTCCTGCCCCTGAGCTGCAGATGTGGACCTCAGCCAGCCCCGGA[A>C]GGGGAGGAAGCCCCCGGCCGTCCCCAAGGCTTTGGTACCGCCACCCAGACTCCCCACCAA-3'
Protein context (NP_000374.1, residues 101-121): PKDVDLSQPR[Lys111Thr]GRKPPAVPKA

ClinVar aggregate classification (germline): Uncertain significance (1 of 4 stars; one submission).

Conditions:
Polyglandular autoimmune syndrome, type 1 (APS1). Also called: Whitaker syndrome; Autoimmune polyendocrinopathy syndrome , type I, with or without reversible metaphyseal dysplasia; Autoimmune polyendocrinopathy syndrome, type I; AUTOIMMUNE POLYENDOCRINE SYNDROME, TYPE I, WITH OR WITHOUT REVERSIBLE METAPHYSEAL DYSPLASIA; Autoimmune polyendocrine syndrome type 1; APS I. Identifiers: Orphanet 3453, MedGen C0085859, MONDO:0009411, OMIM 240300.

Submission:

Labcorp Genetics (formerly Invitae), Labcorp
Classification: Uncertain significance for Polyglandular autoimmune syndrome, type 1. Last evaluated: 2023-02-15. Review status: criteria provided, single submitter. Criteria: Invitae Variant Classification Sherloc (09022015). Collection method: clinical testing. Allele origin: germline.
Comment: This sequence change replaces lysine, which is basic and polar, with threonine, which is neutral and polar, at codon 111 of the AIRE protein (p.Lys111Thr). This variant is not present in population databases (gnomAD no frequency). This variant has not been reported in the literature in individuals affected with AIRE-related conditions. Advanced modeling of protein sequence and biophysical properties (such as structural, functional, and spatial information, amino acid conservation, physicochemical variation, residue mobility, and thermodynamic stability) has been performed at Invitae for this missense variant, however the output from this modeling did not meet the statistical confidence thresholds required to predict the impact of this variant on AIRE protein function. In summary, the available evidence is currently insufficient to determine the role of this variant in disease. Therefore, it has been classified as a Variant of Uncertain Significance.